The following is an entry in ClinVar:

ClinVar aggregate classification (germline): Uncertain significance (1 of 4 stars; one submission).

Allele frequency attached by ClinVar (database versions not stated): gnomAD 0.00001; TOPMed 0.00001.
gnomAD v4.1: 15 of 1,585,856 alleles (0.00095%); highest among the groups gnomAD compares: Non-Finnish European, 0.0013%; no homozygotes.

Submission:

Labcorp Genetics (formerly Invitae), Labcorp
Classification: Uncertain significance. Last evaluated: 2022-06-28. Review status: criteria provided, single submitter. Criteria: Invitae Variant Classification Sherloc (09022015). Collection method: clinical testing. Allele origin: germline.
Comment: In summary, the available evidence is currently insufficient to determine the role of this variant in disease. Therefore, it has been classified as a Variant of Uncertain Significance. Algorithms developed to predict the effect of missense changes on protein structure and function are either unavailable or do not agree on the potential impact of this missense change (SIFT: "Tolerated"; PolyPhen-2: "Possibly Damaging"; Align-GVGD: "Class C0"). This variant has not been reported in the literature in individuals affected with WDR1-related conditions. The frequency data for this variant in the population databases is considered unreliable, as metrics indicate poor data quality at this position in the gnomAD database. This sequence change replaces isoleucine, which is neutral and non-polar, with phenylalanine, which is neutral and non-polar, at codon 73 of the WDR1 protein (p.Ile73Phe).

NM_017491.5(WDR1):c.217A>T (p.Ile73Phe)

Gene: WDR1 (WD repeat domain 1; minus strand). Cytogenetic location: 4p16.1.
Variant type: single nucleotide variant.
Coding change: c.217A>T on transcript NM_017491.5 (MANE Select); coding-DNA position 217, A replaced by T.
Protein change: p.Ile73Phe; replaces isoleucine 73 with phenylalanine.
Molecular consequence: missense variant. On other transcripts: intron variant (1).
Genome position (GRCh38, 1-based): chr4:10,103,908, T>A on the plus strand (A>T on the coding strand, the complement: WDR1 is on the minus strand). VCF-style: chr4-10103908-T-A. GRCh37 (hg19) VCF-style: chr4-10105532-T-A.
Other names: c.138+12205A>T (NM_005112.5); short protein forms I73F.
Identifiers: ClinVar variation 1391494 (VCV001391494.6), dbSNP rs773448139, ClinGen allele CA356364646.
Genomic context (GRCh38, chr4:10,103,908, plus strand): 5'-CCACCCAGGCCCCCACAGGTGTCCACGAGCCTTGCCCCCATACAGTACCTCCGGAGGCAA[T>A]GTAGAATCCGCTGGGCGCATACTTGGCCACCACCACCTGATGGGCGTGCTCTGTGTAGAT-3'
Protein context (NP_059830.1, residues 63-83): VAKYAPSGFY[Ile73Phe]ASGDVSGKLR